The following is an entry in ClinVar:

ClinVar aggregate classification (germline): Benign/Likely benign. Review status: criteria provided, multiple submitters, no conflicts (2 of 4 stars). 4 submissions from 4 submitters: Benign (1); Likely benign (3). Last evaluated 2025-10-26.

Conditions:
Hereditary cancer-predisposing syndrome. Also called: Tumor predisposition; Neoplastic Syndromes, Hereditary; Hereditary Cancer Syndrome; Hereditary neoplastic syndrome. Identifiers: Orphanet 140162, MedGen C0027672, MeSH D009386, MONDO:0015356.
Fanconi anemia complementation group O. Also called: RAD51C-Related Fanconi Anemia. Identifiers: Orphanet 84, MedGen C3150653, MONDO:0013248, OMIM 613390.
Breast-ovarian cancer, familial, susceptibility to, 3. Also called: RAD51C-Related Breast/Ovarian Cancer. Identifiers: Orphanet 145, MedGen C3150659, MONDO:0013253, OMIM 613399.

Allele frequency attached by ClinVar (database versions not stated): gnomAD exomes below 0.00001; TOPMed 0.00002.
gnomAD v4.1: 1 of 1,613,694 alleles (0.000062%); highest among the groups gnomAD compares: African/African-American, 0.0013%; no homozygotes.

Submissions (4):

Labcorp Genetics (formerly Invitae), Labcorp
Classification: Likely benign for Fanconi anemia complementation group O. Last evaluated: 2025-10-26. Review status: criteria provided, single submitter. Criteria: Invitae Variant Classification Sherloc (09022015). Collection method: clinical testing. Allele origin: germline.

Myriad Genetics, Inc.
Classification: Benign for Breast-ovarian cancer, familial, susceptibility to, 3. Last evaluated: 2025-02-19. Review status: criteria provided, single submitter. Criteria: Myriad Autosomal Dominant, Autosomal Recessive and X-Linked Classification Criteria (2023). Collection method: clinical testing. Allele origin: unknown.
Comment: This variant is considered benign. This variant is a silent/synonymous amino acid change and it is not expected to impact splicing.

Ambry Genetics
Classification: Likely benign for Hereditary cancer-predisposing syndrome. Last evaluated: 2015-12-03. Review status: criteria provided, single submitter. Criteria: Ambry Variant Classification Scheme 2023. Collection method: clinical testing. Allele origin: germline.

Color Diagnostics, LLC DBA Color Health
Classification: Likely benign for Hereditary cancer-predisposing syndrome. Last evaluated: 2015-11-16. Review status: criteria provided, single submitter. Criteria: ACMG Guidelines, 2015. Collection method: clinical testing. Allele origin: germline.

NM_058216.3(RAD51C):c.1059T>C (p.Ser353=)

Gene: RAD51C (RAD51 paralog C; plus strand). Cytogenetic location: 17q22.
Variant type: single nucleotide variant.
Coding change: c.1059T>C on transcript NM_058216.3 (MANE Select); coding-DNA position 1059, T replaced by C.
Protein change: p.Ser353=; no amino-acid change (serine 353 retained).
Molecular consequence: synonymous variant. On other transcripts: non-coding transcript variant (1).
Genome position (GRCh38, 1-based): chr17:58,734,150, T>C. VCF-style: chr17-58734150-T-C. GRCh37 (hg19) VCF-style: chr17-56811511-T-C.
Identifiers: ClinVar variation 471432 (VCV000471432.17), dbSNP rs1399862812, ClinGen allele CA400366106.
Genomic context (GRCh38, chr17:58,734,150, plus strand): 5'-ATTTGTATATATATTTTTTATCTTTCAGCCTCAGGGATTTAGAGATACTGTTGTTACTTC[T>C]GCATGTTCATTGCAAACAGAAGGTTCCTTGAGCACCCGGAAACGGTCACGAGACCCAGAG-3'
Protein context (NP_478123.1, residues 343-363): PQGFRDTVVT[Ser353=]ACSLQTEGSL